The following is an entry in ClinVar:

ClinVar aggregate classification (germline): Uncertain significance. Review status: criteria provided, multiple submitters, no conflicts (2 of 4 stars). 2 submissions from 2 submitters: Uncertain significance (2). Last evaluated 2024-09-15.

Conditions:
Hereditary cancer-predisposing syndrome. Also called: Tumor predisposition; Neoplastic Syndromes, Hereditary; Hereditary neoplastic syndrome; Hereditary Cancer Syndrome. Identifiers: Orphanet 140162, MedGen C0027672, MeSH D009386, MONDO:0015356.

Submissions (2):

Ambry Genetics
Classification: Uncertain significance for Hereditary cancer-predisposing syndrome. Last evaluated: 2024-09-15. Review status: criteria provided, single submitter. Criteria: Ambry Variant Classification Scheme 2023. Collection method: clinical testing. Allele origin: germline.
Comment: The p.R83C variant (also known as c.247C>T), located in coding exon 3 of the RAD50 gene, results from a C to T substitution at nucleotide position 247. The arginine at codon 83 is replaced by cysteine, an amino acid with highly dissimilar properties. This amino acid position is conserved. In addition, the in silico prediction for this alteration is inconclusive. Based on the available evidence, the clinical significance of this variant remains unclear.

Labcorp Genetics (formerly Invitae), Labcorp
Classification: Uncertain significance for Hereditary cancer-predisposing syndrome. Last evaluated: 2021-09-21. Review status: criteria provided, single submitter. Criteria: Invitae Variant Classification Sherloc (09022015). Collection method: clinical testing. Allele origin: germline.
Comment: Algorithms developed to predict the effect of missense changes on protein structure and function (SIFT, PolyPhen-2, Align-GVGD) all suggest that this variant is likely to be disruptive. In summary, the available evidence is currently insufficient to determine the role of this variant in disease. Therefore, it has been classified as a Variant of Uncertain Significance. This variant has not been reported in the literature in individuals affected with RAD50-related conditions. This variant is not present in population databases (ExAC no frequency). This sequence change replaces arginine with cysteine at codon 83 of the RAD50 protein (p.Arg83Cys). The arginine residue is moderately conserved and there is a large physicochemical difference between arginine and cysteine.

NM_005732.4(RAD50):c.247C>T (p.Arg83Cys)

Gene: RAD50 (RAD50 double strand break repair protein; plus strand). Cytogenetic location: 5q31.1.
Variant type: single nucleotide variant.
Coding change: c.247C>T on transcript NM_005732.4 (MANE Select); coding-DNA position 247, C replaced by T.
Protein change: p.Arg83Cys; replaces arginine 83 with cysteine.
Molecular consequence: missense variant.
Genome position (GRCh38, 1-based): chr5:132,575,810, C>T. VCF-style: chr5-132575810-C-T. GRCh37 (hg19) VCF-style: chr5-131911502-C-T.
Other names: c.247C>T (NM_005732.3); short protein forms R83C.
Identifiers: ClinVar variation 1512878 (VCV001512878.7), dbSNP rs1750386295, ClinGen allele CA360930449.